The following is an entry in ClinVar:

NM_031407.7(HUWE1):c.5885-8T>C

Gene: HUWE1 (HECT, UBA and WWE domain containing E3 ubiquitin protein ligase 1; minus strand). Cytogenetic location: Xp11.22.
Variant type: single nucleotide variant.
Coding change: c.5885-8T>C on transcript NM_031407.7 (MANE Select); 8 bases into the intron before coding-DNA position 5885, T replaced by C.
Molecular consequence: intron variant.
Genome position (GRCh38, 1-based): chrX:53,575,796, A>G on the plus strand (T>C on the coding strand, the complement: HUWE1 is on the minus strand). VCF-style: chrX-53575796-A-G. GRCh37 (hg19) VCF-style: chrX-53602756-A-G.
Identifiers: ClinVar variation 719125 (VCV000719125.13), dbSNP rs146431063, ClinGen allele CA10422197.
Genomic context (GRCh38, chrX:53,575,796, plus strand): 5'-GAGCTGGCCAACCTCTTGGGTCATAACCCCAGGTTTAGGATCAGATTTATCTGCTAGGAA[A>G]ACAGTAACAACCATCAAAAACAAAATAAACCTCTTCTACAATTGGACAATGTTAAGGCCT-3'

ClinVar aggregate classification (germline): Benign/Likely benign. Review status: criteria provided, multiple submitters, no conflicts (2 of 4 stars). 4 submissions from 4 submitters: Benign (2); Likely benign (1). 1 of the submissions does not count toward it. Last evaluated 2026-01-13.

Conditions:
HUWE1-related disorder. Also called: HUWE1-related condition.

Allele frequency attached by ClinVar (database versions not stated): ESP Exome Variant Server 0.00009; gnomAD exomes 0.00048 and 0.00195; gnomAD 0.00052 and 0.00067; TOPMed 0.00108; ExAC 0.00204; 1000 Genomes Project 0.00265; 1000 Genomes Project 30x 0.00291.
gnomAD v4.1: 621 of 1,208,658 alleles (0.051%); highest among the groups gnomAD compares: East Asian, 1.6%; 5 homozygotes.

Submissions (4):

Labcorp Genetics (formerly Invitae), Labcorp
Classification: Benign. Last evaluated: 2026-01-13. Review status: criteria provided, single submitter. Criteria: Invitae Variant Classification Sherloc (09022015). Collection method: clinical testing. Allele origin: germline.

Blueprint Genetics
Classification: Likely benign. Last evaluated: 2024-11-18. Review status: criteria provided, single submitter. Criteria: ACMG Guidelines, 2015. Collection method: clinical testing. Allele origin: germline.

GeneDx
Classification: Benign. Last evaluated: 2021-08-02. Review status: criteria provided, single submitter. Criteria: GeneDx Variant Classification Process June 2021. Collection method: clinical testing. Allele origin: germline. Affected: yes.

PreventionGenetics, part of Exact Sciences
Classification: Benign for HUWE1-related condition. Last evaluated: 2023-12-06. Review status: no assertion criteria provided. Collection method: clinical testing. Allele origin: germline. Not counted in ClinVar's aggregate classification.
Comment: This variant is classified as benign based on ACMG/AMP sequence variant interpretation guidelines (Richards et al. 2015 PMID: 25741868, with internal and published modifications).